The following is an entry in ClinVar:

NM_138691.3(TMC1):c.1030-31TTTG[3]

Gene: TMC1 (transmembrane channel like 1; plus strand). Cytogenetic location: 9q21.13.
Variant type: Microsatellite.
Coding change: c.1030-31TTTG[3] on transcript NM_138691.3 (MANE Select); three copies in a row of the 4-base unit TTTG starting at c.1030-31.
Molecular consequence: intron variant.
Genome position: GRCh38 VCF-style: chr9-72789091-TTTTG-T. GRCh37 (hg19) VCF-style: chr9-75404007-TTTTG-T.
Identifiers: ClinVar variation 1327796 (VCV001327796.3), dbSNP rs745417408, ClinGen allele CA5081858.
Genomic context (GRCh38, chr9:72,789,091, plus strand): 5'-AAAAATAACTTTTGAGGTTTTGATACTTTTAAAATGTAGCTAAGATATTCTATTTTGGGT[TTTTG>T]TTTGTTTGTTTGTTTTCATGGATACAGGAAGCTATCACAGAAGAAAAAGCAGCCCAAGTA-3'

ClinVar aggregate classification (germline): Likely benign (1 of 4 stars; one submission).

Submission:

GeneDx
Classification: Likely benign. Last evaluated: 2024-01-09. Review status: criteria provided, single submitter. Criteria: GeneDx Variant Classification Process June 2021. Collection method: clinical testing. Allele origin: germline. Affected: yes.
Comment: See Variant Classification Assertion Criteria.